The following is an entry in ClinVar:

ClinVar aggregate classification (germline): Uncertain significance. Review status: criteria provided, multiple submitters, no conflicts (2 of 4 stars). 2 submissions from 2 submitters: Uncertain significance (2). Last evaluated 2025-12-09.

Conditions:
Autosomal recessive limb-girdle muscular dystrophy type 2W (MDRCMTT). Also called: Muscular dystrophy, limb-girdle, type 2W; Muscular dystrophy, autosomal recessive, with cardiomyopathy and triangular tongue. Identifiers: MedGen C4225192, MONDO:0014788, OMIM 616827.

gnomAD v4.1: 19 of 1,613,998 alleles (0.0012%); highest among the groups gnomAD compares: Admixed American, 0.0033%; no homozygotes.

Submissions (2):

Ambry Genetics
Classification: Uncertain significance. Last evaluated: 2025-12-09. Review status: criteria provided, single submitter. Criteria: Ambry Variant Classification Scheme 2023. Collection method: clinical testing. Allele origin: germline.

Labcorp Genetics (formerly Invitae), Labcorp
Classification: Uncertain significance for Autosomal recessive limb-girdle muscular dystrophy type 2W. Last evaluated: 2025-05-27. Review status: criteria provided, single submitter. Criteria: Invitae Variant Classification Sherloc (09022015). Collection method: clinical testing. Allele origin: germline.
Comment: This sequence change replaces arginine, which is basic and polar, with histidine, which is basic and polar, at codon 123 of the LIMS2 protein (p.Arg123His). The frequency data for this variant in the population databases is considered unreliable, as metrics indicate poor data quality at this position in the gnomAD database. This variant has not been reported in the literature in individuals affected with LIMS2-related conditions. ClinVar contains an entry for this variant (Variation ID: 3652092). Invitae Evidence Modeling of protein sequence and biophysical properties (such as structural, functional, and spatial information, amino acid conservation, physicochemical variation, residue mobility, and thermodynamic stability) indicates that this missense variant is not expected to disrupt LIMS2 protein function with a negative predictive value of 80%. In summary, the available evidence is currently insufficient to determine the role of this variant in disease. Therefore, it has been classified as a Variant of Uncertain Significance.

NM_001161403.3(LIMS2):c.302G>A (p.Arg101His)

Gene: LIMS2 (LIM zinc finger domain containing 2; minus strand). Cytogenetic location: 2q14.3.
Variant type: single nucleotide variant.
Coding change: c.302G>A on transcript NM_001161403.3 (MANE Select); coding-DNA position 302, G replaced by A.
Protein change: p.Arg101His; replaces arginine 101 with histidine.
Molecular consequence: missense variant.
Genome position (GRCh38, 1-based): chr2:127,654,481, C>T on the plus strand (G>A on the coding strand, the complement: LIMS2 is on the minus strand). VCF-style: chr2-127654481-C-T. GRCh37 (hg19) VCF-style: chr2-128412055-C-T.
Other names: c.368G>A, p.Arg123His (NM_001136037.4); c.287G>A, p.Arg96His (NM_001161404.2); c.374G>A, p.Arg125His (NM_017980.5); c.374G>A (NM_017980.4); short protein forms R123H, R101H, R125H, R96H.
Identifiers: ClinVar variation 3652092 (VCV003652092.3).
Genomic context (GRCh38, chr2:127,654,481, plus strand): 5'-CACCTGCCGGCATTCTTCACAAAGCCCAGGTCAGCCAGCTCCACATCACACAGCTCGCAG[C>T]GGAAGCAGCCCGGGTGCCAGTTGTTGTTCATGGCCTTGATGACGCGGCCAATGATGAACT-3'
Protein context (NP_001154875.1, residues 91-111): MNNNWHPGCF[Arg101His]CELCDVELAD